The following is an entry in ClinVar:

NM_000260.4(MYO7A):c.2039A>G (p.Glu680Gly)

Gene: MYO7A (myosin VIIA; plus strand). Cytogenetic location: 11q13.5.
Variant type: single nucleotide variant.
Coding change: c.2039A>G on transcript NM_000260.4 (MANE Select); coding-DNA position 2039, A replaced by G.
Protein change: p.Glu680Gly; replaces glutamic acid 680 with glycine.
Molecular consequence: missense variant.
Genome position (GRCh38, 1-based): chr11:77,174,859, A>G. VCF-style: chr11-77174859-A-G. GRCh37 (hg19) VCF-style: chr11-76885905-A-G.
Other names: c.2039A>G, p.Glu680Gly (NM_001127180.2); c.2006A>G, p.Glu669Gly (NM_001369365.1); short protein forms E680G, E669G.
Identifiers: ClinVar variation 505082 (VCV000505082.4), dbSNP rs1555079057, ClinGen allele CA381939402.

ClinVar aggregate classification (germline): Uncertain significance (1 of 4 stars; one submission).

Submission:

Laboratory for Molecular Medicine, Mass General Brigham Personalized Medicine
Classification: Uncertain significance. Last evaluated: 2016-06-08. Review status: criteria provided, single submitter. Criteria: LMM Criteria. Collection method: clinical testing. Allele origin: germline. Observed: 1 variant allele.
Comment: The p.Glu680Gly variant in MYO7A has not been previously reported in individuals with hearing loss and was absent from large population studies. Computational p rediction tools and conservation analyses do not provide strong support for or a gainst an impact to the protein. In summary, the clinical significance of the p. Glu680Gly variant is uncertain.